The following is an entry in ClinVar:

ClinVar aggregate classification (germline): Uncertain significance (1 of 4 stars; one submission).

Allele frequency attached by ClinVar (database versions not stated): gnomAD 0.00003; ExAC 0.00006.
gnomAD v4.1: 41 of 1,609,778 alleles (0.0025%); highest among the groups gnomAD compares: East Asian, 0.058%; no homozygotes.

Submission:

Labcorp Genetics (formerly Invitae), Labcorp
Classification: Uncertain significance. Last evaluated: 2023-10-12. Review status: criteria provided, single submitter. Criteria: Invitae Variant Classification Sherloc (09022015). Collection method: clinical testing. Allele origin: germline.
Comment: This sequence change affects codon 164 of the REN mRNA. It is a 'silent' change, meaning that it does not change the encoded amino acid sequence of the REN protein. It affects a nucleotide within the consensus splice site. This variant is present in population databases (rs780253159, gnomAD 0.1%). This variant has not been reported in the literature in individuals affected with REN-related conditions. Algorithms developed to predict the effect of sequence changes on RNA splicing suggest that this variant is not likely to affect RNA splicing. In summary, the available evidence is currently insufficient to determine the role of this variant in disease. Therefore, it has been classified as a Variant of Uncertain Significance.

NM_000537.4(REN):c.492C>T (p.Thr164=)

Gene: REN (renin; minus strand). Cytogenetic location: 1q32.1.
Variant type: single nucleotide variant.
Coding change: c.492C>T on transcript NM_000537.4 (MANE Select); coding-DNA position 492, C replaced by T.
Protein change: p.Thr164=; no amino-acid change (threonine 164 retained).
Molecular consequence: synonymous variant.
Genome position (GRCh38, 1-based): chr1:204,160,560, G>A on the plus strand (C>T on the coding strand, the complement: REN is on the minus strand). VCF-style: chr1-204160560-G-A. GRCh37 (hg19) VCF-style: chr1-204129688-G-A.
Identifiers: ClinVar variation 2887956 (VCV002887956.3), dbSNP rs780253159, ClinGen allele CA1344929.